The following is an entry in ClinVar:

NC_000014.8:g.(?_67555680)_(67647654_?)dup

Gene: GPHN (gephyrin; plus strand). Cytogenetic location: 14q23.3.
Variant type: Duplication.
Identifiers: ClinVar variation 2426612 (VCV002426612.4).

ClinVar aggregate classification (germline): Uncertain significance (1 of 4 stars; one submission).

Conditions:
Sulfite oxidase deficiency due to molybdenum cofactor deficiency type C. Also called: Molybdenum cofactor deficiency, complementation group C; Molybdenum cofactor deficiency C. Identifiers: Orphanet 308400, Orphanet 833, MedGen C1854990, MONDO:0014212, OMIM 615501.

Submission:

Labcorp Genetics (formerly Invitae), Labcorp
Classification: Uncertain significance for Sulfite oxidase deficiency due to molybdenum cofactor deficiency type C. Last evaluated: 2022-07-20. Review status: criteria provided, single submitter. Criteria: Invitae Variant Classification Sherloc (09022015). Collection method: clinical testing. Allele origin: germline.
Comment: This variant has not been reported in the literature in individuals affected with GPHN-related conditions. This variant results in a copy number gain of the genomic region encompassing exon(s) 12-23 of the GPHN gene. This region includes the termination codon of the gene. This copy number gain extends beyond the assayed region for this gene and therefore may encompass additional genes. As the precise location of this event is unknown, it may be in tandem or it may be located elsewhere in the genome. Experimental studies and prediction algorithms are not available or were not evaluated, and the functional significance of this variant is currently unknown. In summary, the available evidence is currently insufficient to determine the role of this variant in disease. Therefore, it has been classified as a Variant of Uncertain Significance.